The following is an entry in ClinVar:

ClinVar aggregate classification (germline): Uncertain significance (1 of 4 stars; one submission).

Submission:

GeneDx
Classification: Uncertain significance. Last evaluated: 2024-05-08. Review status: criteria provided, single submitter. Criteria: GeneDx Variant Classification Process June 2021. Collection method: clinical testing. Allele origin: germline. Affected: yes.
Comment: Not observed at significant frequency in large population cohorts (gnomAD); In silico analysis supports that this missense variant does not alter protein structure/function; Has not been previously published as pathogenic or benign to our knowledge

NM_000124.4(ERCC6):c.692T>C (p.Val231Ala)

Gene: ERCC6 (ERCC excision repair 6, chromatin remodeling factor; minus strand). Cytogenetic location: 10q11.23.
Variant type: single nucleotide variant.
Coding change: c.692T>C on transcript NM_000124.4 (MANE Select); coding-DNA position 692, T replaced by C.
Protein change: p.Val231Ala; replaces valine 231 with alanine.
Molecular consequence: missense variant.
Genome position (GRCh38, 1-based): chr10:49,524,738, A>G on the plus strand (T>C on the coding strand, the complement: ERCC6 is on the minus strand). VCF-style: chr10-49524738-A-G. GRCh37 (hg19) VCF-style: chr10-50732784-A-G.
Other names: c.692T>C, p.Val231Ala (NM_001277058.2, NM_001277059.2, NM_001346440.2); short protein forms V231A.
Identifiers: ClinVar variation 2574290 (VCV002574290.2), dbSNP rs2496142249, ClinGen allele CA376755458.